The following is an entry in ClinVar:

NC_000011.9:g.(?_102980304)_(103194738_?)dup

Gene: DYNC2H1 (dynein cytoplasmic 2 heavy chain 1; plus strand). Cytogenetic location: 11q22.3.
Variant type: Duplication.
Identifiers: ClinVar variation 2423649 (VCV002423649.3).

ClinVar aggregate classification (germline): Uncertain significance (1 of 4 stars; one submission).

Conditions:
Jeune thoracic dystrophy. Also called: Short-rib thoracic dysplasia; Jeune syndrome; Infantile thoracic dystrophy; Thoracic pelvic phalangeal dystrophy; Jeune's syndrome; Chondroectodermal dysplasia-like syndrome. Identifiers: Orphanet 474, MedGen C0265275, MONDO:0018770.

Submission:

Labcorp Genetics (formerly Invitae), Labcorp
Classification: Uncertain significance for Jeune thoracic dystrophy. Last evaluated: 2022-04-11. Review status: criteria provided, single submitter. Criteria: Invitae Variant Classification Sherloc (09022015). Collection method: clinical testing. Allele origin: germline.
Comment: This variant results in a copy number gain of the genomic region encompassing exon(s) 1-83 of the DYNC2H1 gene. This region includes the initiator codon of the gene. This copy number gain extends beyond the assayed region for this gene and therefore may encompass additional genes. As the precise location of this event is unknown, it may be in tandem or it may be located elsewhere in the genome. This variant has not been reported in the literature in individuals affected with DYNC2H1-related conditions. Experimental studies and prediction algorithms are not available or were not evaluated, and the functional significance of this variant is currently unknown. In summary, the available evidence is currently insufficient to determine the role of this variant in disease. Therefore, it has been classified as a Variant of Uncertain Significance.